The following is an entry in ClinVar:

ClinVar aggregate classification (germline): Uncertain significance. Review status: criteria provided, multiple submitters, no conflicts (2 of 4 stars). 5 submissions from 5 submitters: Uncertain significance (4). 1 of the submissions does not count toward it. Last evaluated 2025-12-28.

Conditions:
Hereditary cancer-predisposing syndrome. Also called: Hereditary neoplastic syndrome; Neoplastic Syndromes, Hereditary; Tumor predisposition; Hereditary Cancer Syndrome. Identifiers: Orphanet 140162, MedGen C0027672, MeSH D009386, MONDO:0015356.
Neuroblastoma, susceptibility to, 3. Also called: ALK-Related Neuroblastic Tumor Susceptibility. Identifiers: Orphanet 635, MedGen C2751681, MONDO:0013083, OMIM 613014.

Allele frequency attached by ClinVar (database versions not stated): gnomAD 0.00002; gnomAD exomes 0.00002; ExAC 0.00003; TOPMed 0.00003.

Submissions (5):

Labcorp Genetics (formerly Invitae), Labcorp
Classification: Uncertain significance for Neuroblastoma, susceptibility to, 3. Last evaluated: 2025-12-28. Review status: criteria provided, single submitter. Criteria: Invitae Variant Classification Sherloc (09022015). Collection method: clinical testing. Allele origin: germline.
Comment: This sequence change replaces arginine, which is basic and polar, with cysteine, which is neutral and slightly polar, at codon 291 of the ALK protein (p.Arg291Cys). This variant is present in population databases (rs748854412, gnomAD 0.006%). This variant has not been reported in the literature in individuals affected with ALK-related conditions. ClinVar contains an entry for this variant (Variation ID: 470903). An algorithm developed to predict the effect of missense changes on protein structure and function (PolyPhen-2) suggests that this variant is likely to be disruptive. In summary, the available evidence is currently insufficient to determine the role of this variant in disease. Therefore, it has been classified as a Variant of Uncertain Significance.

Ambry Genetics
Classification: Uncertain significance for Hereditary cancer-predisposing syndrome. Last evaluated: 2025-01-14. Review status: criteria provided, single submitter. Criteria: Ambry Variant Classification Scheme 2023. Collection method: clinical testing. Allele origin: germline.
Comment: The p.R291C variant (also known as c.871C>T), located in coding exon 3 of the ALK gene, results from a C to T substitution at nucleotide position 871. The arginine at codon 291 is replaced by cysteine, an amino acid with highly dissimilar properties. This amino acid position is highly conserved in available vertebrate species. In addition, the in silico prediction for this alteration is inconclusive. Based on the available evidence, the clinical significance of this variant remains unclear.

Baylor Genetics
Classification: Uncertain significance for Neuroblastoma, susceptibility to, 3. Last evaluated: 2023-10-31. Review status: criteria provided, single submitter. Criteria: ACMG Guidelines, 2015. Collection method: clinical testing. Allele origin: unknown.

Revvity Omics, Revvity
Classification: Uncertain significance. Last evaluated: 2022-07-15. Review status: criteria provided, single submitter. Criteria: ACMG Guidelines, 2015. Collection method: clinical testing. Allele origin: germline.

Department of Pathology and Laboratory Medicine, Sinai Health System
Classification: Uncertain significance. Review status: no assertion criteria provided. Collection method: clinical testing. Allele origin: unknown. Affected: yes. Study: The Canadian Open Genetics Repository (COGR). Not counted in ClinVar's aggregate classification.
Comment: The ALK p.Arg291Cys variant was not identified in the literature nor was it identified in LOVD 3.0. The variant was identified in dbSNP (ID: rs748854412), ClinVar (classified as a VUS by Invitae for neuroblastoma 3) and Cosmic (FATHMM predicted pathogenic; score=0.88). The variant was also identified in control databases in 6 of 250670 chromosomes at a frequency of 0.000024 (Genome Aggregation Database Feb 27, 2017). The variant was observed in the following populations: East Asian in 1 of 18378 chromosomes (freq: 0.000054), European (non-Finnish) in 4 of 113094 chromosomes (freq: 0.000035) and South Asian in 1 of 30604 chromosomes (freq: 0.000033), while the variant was not observed in the African, Latino, Ashkenazi Jewish, European (Finnish), and Other populations. The p.Arg291 residue is conserved in mammals but not in more distantly related organisms, and four out of five computational analyses (PolyPhen-2, SIFT, BLOSUM, MutationTaster) suggest that the variant may impact the protein; however, this information is not predictive enough to assume pathogenicity. The variant occurs outside of the splicing consensus sequence and in silico or computational prediction software programs (SpliceSiteFinder, MaxEntScan, NNSPLICE, GeneSplicer) do not predict a difference in splicing. In summary, based on the above information the clinical significance of this variant cannot be determined with certainty at this time. This variant is classified as a variant of uncertain significance.

NM_004304.5(ALK):c.871C>T (p.Arg291Cys)

Gene: ALK (ALK receptor tyrosine kinase; minus strand). Cytogenetic location: 2p23.2.
Variant type: single nucleotide variant.
Coding change: c.871C>T on transcript NM_004304.5 (MANE Select); coding-DNA position 871, C replaced by T.
Protein change: p.Arg291Cys; replaces arginine 291 with cysteine.
Molecular consequence: missense variant.
Genome position (GRCh38, 1-based): chr2:29,694,931, G>A on the plus strand (C>T on the coding strand, the complement: ALK is on the minus strand). VCF-style: chr2-29694931-G-A. GRCh37 (hg19) VCF-style: chr2-29917797-G-A.
Other names: short protein forms R291C.
Identifiers: ClinVar variation 470903 (VCV000470903.14), dbSNP rs748854412, ClinGen allele CA1594834.
Genomic context (GRCh38, chr2:29,694,931, plus strand): 5'-GCTCTGCCCCAGGCCCATCCAGCAAGTCCATCTGGGAGGCCTCCTCGGAGGGGATGCGGC[G>A]CCAGGACCAGCTCTGGTTCCTGAGGTCATGCAGTGGAGGGGAATACTCCAGCTCACAGGG-3'
Protein context (NP_004295.2, residues 281-301): HDLRNQSWSW[Arg291Cys]RIPSEEASQM